The following is an entry in ClinVar:

NM_004100.5(EYA4):c.1463dup (p.Glu490fs)

Genes: EYA4 (EYA transcriptional coactivator and phosphatase 4; plus strand), TARID (TCF21 antisense RNA inducing promoter demethylation; minus strand). Cytogenetic location: 6q23.2.
Variant type: Duplication.
Coding change: c.1463dup on transcript NM_004100.5 (MANE Select); coding-DNA position 1463, one base duplicated (T; older notation c.1463dupT).
Protein change: p.Glu490fs; shifts the reading frame from glutamic acid 490.
Molecular consequence: frameshift variant.
Genome position (GRCh38, 1-based): chr6:133,513,000, T duplicated. VCF-style (leftmost placement, unchanged base first): chr6-133512999-G-GT. GRCh37 (hg19) VCF-style: chr6-133834137-G-GT.
Other names: c.1301dup, p.Glu436fs (NM_001301012.2); c.1481dup, p.Glu496fs (NM_001301013.2); c.1394dup, p.Glu467fs (NM_001370458.1, NM_172103.4); c.1319dup, p.Glu442fs (NM_001370459.1); c.1463dup, p.Glu490fs (NM_172105.4); short protein forms E436fs, E442fs, E467fs, E490fs, E496fs.
Identifiers: ClinVar variation 1064934 (VCV001064934.3), dbSNP rs2128782580, ClinGen allele CA2499218105.

ClinVar aggregate classification (germline): Likely pathogenic (1 of 4 stars; one submission).

Conditions:
Hearing impairment. Also called: Impaired Hearing. Identifiers: MedGen C1384666, MONDO:0005365, HP:0000365.

Submission:

Department of Otolaryngology – Head & Neck Surgery, Cochlear Implant Center
Classification: Likely pathogenic for Hearing impairment. Last evaluated: 2021-04-12. Review status: criteria provided, single submitter. Criteria: ClinGen HL ACMG Specifications v1. Collection method: clinical testing. Allele origin: germline. Affected: yes.
Comment: PVS1_Strong, PM2_Moderate